The following is an entry in ClinVar:

ClinVar aggregate classification (germline): Uncertain significance (1 of 4 stars; one submission).

gnomAD v4.1: 1 of 1,612,696 alleles (0.000062%); highest among the groups gnomAD compares: Non-Finnish European, 0.000085%; no homozygotes.

Submission:

Labcorp Genetics (formerly Invitae), Labcorp
Classification: Uncertain significance. Last evaluated: 2022-02-28. Review status: criteria provided, single submitter. Criteria: Invitae Variant Classification Sherloc (09022015). Collection method: clinical testing. Allele origin: germline.
Comment: This sequence change replaces alanine, which is neutral and non-polar, with glycine, which is neutral and non-polar, at codon 316 of the CTU2 protein (p.Ala316Gly). This variant is not present in population databases (gnomAD no frequency). In summary, the available evidence is currently insufficient to determine the role of this variant in disease. Therefore, it has been classified as a Variant of Uncertain Significance. Algorithms developed to predict the effect of sequence changes on RNA splicing suggest that this variant may create or strengthen a splice site. Algorithms developed to predict the effect of missense changes on protein structure and function are either unavailable or do not agree on the potential impact of this missense change (SIFT: "Not Available"; PolyPhen-2: "Probably Damaging"; Align-GVGD: "Not Available"). This variant has not been reported in the literature in individuals affected with CTU2-related conditions.

NM_001012759.3(CTU2):c.947C>G (p.Ala316Gly)

Gene: CTU2 (cytosolic thiouridylase subunit 2; plus strand). Cytogenetic location: 16q24.3.
Variant type: single nucleotide variant.
Coding change: c.947C>G on transcript NM_001012759.3 (MANE Select); coding-DNA position 947, C replaced by G.
Protein change: p.Ala316Gly; replaces alanine 316 with glycine.
Molecular consequence: missense variant.
Genome position (GRCh38, 1-based): chr16:88,713,720, C>G. VCF-style: chr16-88713720-C-G. GRCh37 (hg19) VCF-style: chr16-88780128-C-G.
Other names: c.947C>G, p.Ala316Gly (NM_001012762.3); c.1160C>G, p.Ala387Gly (NM_001318507.2); c.686C>G, p.Ala229Gly (NM_001318513.2); short protein forms A229G, A316G, A387G.
Identifiers: ClinVar variation 2104841 (VCV002104841.4), dbSNP rs1276542711, ClinGen allele CA397065252.